The following is an entry in ClinVar:

ClinVar aggregate classification (germline): Likely benign. Review status: criteria provided, multiple submitters, no conflicts (2 of 4 stars). 5 submissions from 5 submitters: Likely benign (4). 1 of the submissions does not count toward it. Last evaluated 2026-01-13.

Conditions:
KIF14-related disorder. Also called: KIF14-related condition.
Inborn genetic diseases. Identifiers: MedGen C0950123, MeSH D030342.

Allele frequency attached by ClinVar (database versions not stated): 1000 Genomes Project 30x 0.00016; 1000 Genomes Project 0.00020; TOPMed 0.00047; ESP Exome Variant Server 0.00054; gnomAD 0.00075 and 0.00081; gnomAD exomes 0.00094 and 0.00119; ExAC 0.00134.
gnomAD v4.1: 1,455 of 1,601,474 alleles (0.091%); highest among the groups gnomAD compares: Non-Finnish European, 0.095%; 5 homozygotes.

Submissions (5):

Labcorp Genetics (formerly Invitae), Labcorp
Classification: Likely benign. Last evaluated: 2026-01-13. Review status: criteria provided, single submitter. Criteria: Invitae Variant Classification Sherloc (09022015). Collection method: clinical testing. Allele origin: germline.

Blueprint Genetics
Classification: Likely benign. Last evaluated: 2024-11-14. Review status: criteria provided, single submitter. Criteria: ACMG Guidelines, 2015. Collection method: clinical testing. Allele origin: germline.

CeGaT Center for Human Genetics Tuebingen
Classification: Likely benign. Last evaluated: 2024-07-01. Review status: criteria provided, single submitter. Criteria: CeGaT Center For Human Genetics Tuebingen Variant Classification Criteria Version 2. Collection method: clinical testing. Allele origin: germline. Affected: yes. Observed: 2 variant alleles.
Comment: KIF14: BP4

Ambry Genetics
Classification: Likely benign for Inborn genetic diseases. Last evaluated: 2021-04-17. Review status: criteria provided, single submitter. Criteria: Ambry Variant Classification Scheme 2023. Collection method: clinical testing. Allele origin: germline.

PreventionGenetics, part of Exact Sciences
Classification: Likely benign for KIF14-related condition. Last evaluated: 2022-04-28. Review status: no assertion criteria provided. Collection method: clinical testing. Allele origin: germline. Not counted in ClinVar's aggregate classification.
Comment: This variant is classified as likely benign based on ACMG/AMP sequence variant interpretation guidelines (Richards et al. 2015 PMID: 25741868, with internal and published modifications).

NM_014875.3(KIF14):c.3589A>G (p.Arg1197Gly)

Gene: KIF14 (kinesin family member 14; minus strand). Cytogenetic location: 1q32.1.
Variant type: single nucleotide variant.
Coding change: c.3589A>G on transcript NM_014875.3 (MANE Select); coding-DNA position 3589, A replaced by G.
Protein change: p.Arg1197Gly; replaces arginine 1197 with glycine.
Molecular consequence: missense variant.
Genome position (GRCh38, 1-based): chr1:200,569,983, T>C on the plus strand (A>G on the coding strand, the complement: KIF14 is on the minus strand). VCF-style: chr1-200569983-T-C. GRCh37 (hg19) VCF-style: chr1-200539111-T-C.
Other names: c.2116A>G, p.Arg706Gly (NM_001305792.1); short protein forms R706G, R1197G.
Identifiers: ClinVar variation 786806 (VCV000786806.35), dbSNP rs142457309, ClinGen allele CA1317210.